The following is an entry in ClinVar:

NM_001148.6(ANK2):c.11559T>C (p.Asp3853=)

Gene: ANK2 (ankyrin 2; plus strand). Cytogenetic location: 4q26.
Variant type: single nucleotide variant.
Coding change: c.11559T>C on transcript NM_001148.6 (MANE Select); coding-DNA position 11559, T replaced by C.
Protein change: p.Asp3853=; no amino-acid change (aspartic acid 3853 retained).
Molecular consequence: synonymous variant.
Genome position (GRCh38, 1-based): chr4:113,369,754, T>C. VCF-style: chr4-113369754-T-C. GRCh37 (hg19) VCF-style: chr4-114290910-T-C.
Other names: c.5277T>C, p.Asp1759= (NM_001127493.3); c.5316T>C, p.Asp1772= (NM_001354225.2); c.5205T>C, p.Asp1735= (NM_001354228.2, NM_001354258.2); c.5283T>C, p.Asp1761= (NM_001354230.2); c.5346T>C, p.Asp1782= (NM_001354231.2, NM_001354242.2); c.5340T>C, p.Asp1780= (NM_001354232.2); c.5301T>C, p.Asp1767= (NM_001354235.2, NM_001354246.2, NM_001354265.2); c.5202T>C, p.Asp1734= (NM_001354236.2); and 35 more.
Identifiers: ClinVar variation 3061709 (VCV003061709.2), dbSNP rs1231180888, ClinGen allele CA440836837.

ClinVar aggregate classification (germline): Likely benign (0 of 4 stars; one submission).

Conditions:
ANK2-related disorder. Also called: ANK2-related condition.

Submission:

PreventionGenetics, part of Exact Sciences
Classification: Likely benign for ANK2-related condition. Last evaluated: 2022-02-15. Review status: no assertion criteria provided. Collection method: clinical testing. Allele origin: germline.
Comment: This variant is classified as likely benign based on ACMG/AMP sequence variant interpretation guidelines (Richards et al. 2015 PMID: 25741868, with internal and published modifications).